The following is an entry in ClinVar:

ClinVar aggregate classification (germline): Uncertain significance. Review status: criteria provided, multiple submitters, no conflicts (2 of 4 stars). 4 submissions from 3 submitters: Uncertain significance (4). Last evaluated 2023-10-18.

Conditions:
Weill-Marchesani syndrome. Also called: WM Syndrome; Mesodermal dysmorphodystrophy congenital. Identifiers: Orphanet 3449, MedGen C0265313, MONDO:0018096.
Glaucoma 3, primary congenital, D. Identifiers: Orphanet 98976, MedGen C2751316, MONDO:0013122, OMIM 613086.

Allele frequency attached by ClinVar (database versions not stated): gnomAD 0.00001 and 0.00002; ExAC 0.00003; gnomAD exomes 0.00003 and 0.00005; TOPMed 0.00006.
gnomAD v4.1: 69 of 1,613,716 alleles (0.0043%); highest among the groups gnomAD compares: East Asian, 0.0089%; no homozygotes.

Submissions (4):

GeneDx
Classification: Uncertain significance. Last evaluated: 2023-10-18. Review status: criteria provided, single submitter. Criteria: GeneDx Variant Classification Process June 2021. Collection method: clinical testing. Allele origin: germline. Affected: yes.
Comment: In silico analysis supports that this missense variant does not alter protein structure/function; Has not been previously published as pathogenic or benign to our knowledge

Labcorp Genetics (formerly Invitae), Labcorp
Classification: Uncertain significance. Last evaluated: 2022-08-09. Review status: criteria provided, single submitter. Criteria: Invitae Variant Classification Sherloc (09022015). Collection method: clinical testing. Allele origin: germline.
Comment: In summary, the available evidence is currently insufficient to determine the role of this variant in disease. Therefore, it has been classified as a Variant of Uncertain Significance. Algorithms developed to predict the effect of missense changes on protein structure and function output the following: SIFT: "Tolerated"; PolyPhen-2: "Benign"; Align-GVGD: "Class C0". The glutamine amino acid residue is found in multiple mammalian species, which suggests that this missense change does not adversely affect protein function. ClinVar contains an entry for this variant (Variation ID: 888082). This variant has not been reported in the literature in individuals affected with LTBP2-related conditions. This variant is present in population databases (rs757892170, gnomAD 0.01%). This sequence change replaces arginine, which is basic and polar, with glutamine, which is neutral and polar, at codon 538 of the LTBP2 protein (p.Arg538Gln).

Illumina Laboratory Services, Illumina
Classification: Uncertain significance for Weill-Marchesani syndrome. Last evaluated: 2018-01-13. Review status: criteria provided, single submitter. Criteria: ICSL Variant Classification Criteria 13 December 2019. Collection method: clinical testing. Allele origin: germline.

Illumina Laboratory Services, Illumina
Classification: Uncertain significance for Glaucoma 3, primary congenital, D. Last evaluated: 2018-01-13. Review status: criteria provided, single submitter. Criteria: ICSL Variant Classification Criteria 13 December 2019. Collection method: clinical testing. Allele origin: germline.

NM_000428.3(LTBP2):c.1613G>A (p.Arg538Gln)

Gene: LTBP2 (latent transforming growth factor beta binding protein 2; minus strand). Cytogenetic location: 14q24.3.
Variant type: single nucleotide variant.
Coding change: c.1613G>A on transcript NM_000428.3 (MANE Select); coding-DNA position 1613, G replaced by A.
Protein change: p.Arg538Gln; replaces arginine 538 with glutamine.
Molecular consequence: missense variant.
Genome position (GRCh38, 1-based): chr14:74,551,137, C>T on the plus strand (G>A on the coding strand, the complement: LTBP2 is on the minus strand). VCF-style: chr14-74551137-C-T. GRCh37 (hg19) VCF-style: chr14-75017840-C-T.
Other names: short protein forms R538Q.
Identifiers: ClinVar variation 888082 (VCV000888082.9), dbSNP rs757892170, ClinGen allele CA7269828.
Genomic context (GRCh38, chr14:74,551,137, plus strand): 5'-GTGTTCAGGTAACACCGGCCCAGCAGTCCTCGAGGCCTGGGTGCTGCTGGGGGCAGTGGC[C>T]GAGGGGGCTCTCCAGACCGAGCAGGGATGTTGTTGCTGTCCCAGAGGCTGTGGCCAGGGC-3'
Protein context (NP_000419.1, residues 528-548): NIPARSGEPP[Arg538Gln]PLPPAAPRPR